The following is an entry in ClinVar:

NM_000059.4(BRCA2):c.9257-113T>G

Gene: BRCA2 (BRCA2 DNA repair associated; plus strand). Cytogenetic location: 13q13.1.
Variant type: single nucleotide variant.
Coding change: c.9257-113T>G on transcript NM_000059.4 (MANE Select); 113 bases into the intron before coding-DNA position 9257, T replaced by G.
Molecular consequence: intron variant.
Genome position (GRCh38, 1-based): chr13:32,394,576, T>G. VCF-style: chr13-32394576-T-G. GRCh37 (hg19) VCF-style: chr13-32968713-T-G.
Other names: IVS 24-113T>G.
Identifiers: ClinVar variation 209910 (VCV000209910.12), dbSNP rs191553604, ClinGen allele CA276878.

ClinVar aggregate classification (germline): Benign. Review status: reviewed by expert panel (3 of 4 stars). 5 submissions from 5 submitters: Benign (1). 4 of the submissions do not count toward it. Last evaluated 2015-01-12.

Conditions:
Hereditary cancer-predisposing syndrome. Also called: Neoplastic Syndromes, Hereditary; Hereditary Cancer Syndrome; Tumor predisposition; Hereditary neoplastic syndrome. Identifiers: Orphanet 140162, MedGen C0027672, MeSH D009386, MONDO:0015356.
Breast-ovarian cancer, familial, susceptibility to, 2 (BROVCA2). Also called: BRCA2 Hereditary Breast and Ovarian Cancer. Identifiers: Orphanet 145, MedGen C2675520, MONDO:0012933, OMIM 612555. Disease mechanism: loss of function.

Allele frequency attached by ClinVar (database versions not stated): TOPMed 0.00204; 1000 Genomes Project 30x 0.00234; 1000 Genomes Project 0.00260; gnomAD exomes 0.00347; gnomAD 0.00435 and 0.00449.
gnomAD v4.1: 4,680 of 1,321,102 alleles (0.35%); highest among the groups gnomAD compares: Non-Finnish European, 0.34%; 36 homozygotes.

Submissions (5):

Evidence-based Network for the Interpretation of Germline Mutant Alleles (ENIGMA)
Classification: Benign for Breast-ovarian cancer, familial 2. Last evaluated: 2015-01-12. Review status: reviewed by expert panel. Criteria: ENIGMA BRCA1/2 Classification Criteria (2015). Collection method: curation. Allele origin: germline.
Comment: Class 1 not pathogenic based on frequency >1% in an outbred sampleset. Frequency 0.01187 (European), derived from 1000 genomes (2012-04-30).

ARUP Laboratories, Molecular Genetics and Genomics, ARUP Laboratories
Classification: Benign. Last evaluated: 2018-11-26. Review status: criteria provided, single submitter. Criteria: ARUP Molecular Germline Variant Investigation Process. Collection method: clinical testing. Allele origin: germline. Not counted in ClinVar's aggregate classification.

GeneDx
Classification: Likely benign. Last evaluated: 2018-06-15. Review status: criteria provided, single submitter. Criteria: GeneDx Variant Classification (06012015). Collection method: clinical testing. Allele origin: germline. Affected: yes. Not counted in ClinVar's aggregate classification.
Comment: This variant is considered likely benign or benign based on one or more of the following criteria: it is a conservative change, it occurs at a poorly conserved position in the protein, it is predicted to be benign by multiple in silico algorithms, and/or has population frequency not consistent with disease.

Ambry Genetics
Classification: Benign for Hereditary cancer-predisposing syndrome. Last evaluated: 2014-11-19. Review status: criteria provided, single submitter. Criteria: Ambry Variant Classification Scheme 2023. Collection method: clinical testing. Allele origin: germline. Not counted in ClinVar's aggregate classification.

University of Washington Department of Laboratory Medicine, University of Washington
Classification: Likely benign for Hereditary cancer-predisposing syndrome. Last evaluated: 2015-12-01. Review status: no assertion criteria provided. Collection method: clinical testing. Allele origin: germline. Affected: yes. Not counted in ClinVar's aggregate classification.